The following is an entry in ClinVar:

NM_006734.4(HIVEP2):c.2851T>C (p.Ser951Pro)

Gene: HIVEP2 (HIVEP zinc finger 2; minus strand). Cytogenetic location: 6q24.2.
Variant type: single nucleotide variant.
Coding change: c.2851T>C on transcript NM_006734.4 (MANE Select); coding-DNA position 2851, T replaced by C.
Protein change: p.Ser951Pro; replaces serine 951 with proline.
Molecular consequence: missense variant.
Genome position (GRCh38, 1-based): chr6:142,771,888, A>G on the plus strand (T>C on the coding strand, the complement: HIVEP2 is on the minus strand). VCF-style: chr6-142771888-A-G. GRCh37 (hg19) VCF-style: chr6-143093025-A-G.
Other names: short protein forms S951P.
Identifiers: ClinVar variation 1309693 (VCV001309693.2), dbSNP rs2114653987, ClinGen allele CA365907949.
Genomic context (GRCh38, chr6:142,771,888, plus strand): 5'-TTTCTTGGCTGGGGCTGCGGGAGAGGCCTGTGCCTGTGGATTCAAAGCTGGACTCCCCTG[A>G]GGAGTGCTCCATATCTGCAAGTCGCAGACGCTTCTTTTTGGGTGGCAACTTCTCCGCGGG-3'
Protein context (NP_006725.3, residues 941-961): RLRLADMEHS[Ser951Pro]GESSFESTGT

ClinVar aggregate classification (germline): Uncertain significance (1 of 4 stars; one submission).

Submission:

GeneDx
Classification: Uncertain significance. Last evaluated: 2019-10-22. Review status: criteria provided, single submitter. Criteria: GeneDx Variant Classification Process June 2021. Collection method: clinical testing. Allele origin: germline. Affected: yes.
Comment: Not observed in large population cohorts (Lek et al., 2016); In silico analysis, which includes protein predictors and evolutionary conservation, supports a deleterious effect; Has not been previously published as pathogenic or benign to our knowledge